The following is an entry in ClinVar:

NM_002474.3(MYH11):c.5748C>T (p.Ala1916=)

Genes: MYH11 (myosin heavy chain 11; minus strand), NDE1 (nudE neurodevelopment protein 1; plus strand). Cytogenetic location: 16p13.11.
Variant type: single nucleotide variant.
Coding change: c.5748C>T on transcript NM_002474.3 (MANE Select); coding-DNA position 5748, C replaced by T.
Protein change: p.Ala1916=; no amino-acid change (alanine 1916 retained).
Molecular consequence: synonymous variant. On other transcripts: intron variant (2).
Genome position (GRCh38, 1-based): chr16:15,714,947, G>A on the plus strand (C>T on the coding strand, the complement: MYH11 is on the minus strand). VCF-style: chr16-15714947-G-A. GRCh37 (hg19) VCF-style: chr16-15808804-G-A.
Other names: c.5769C>T, p.Ala1923= (NM_001040113.2, NM_001040114.2); c.5748C>T, p.Ala1916= (NM_022844.3); c.948-9244G>A (NM_001143979.2, NM_017668.3).
Identifiers: ClinVar variation 1992961 (VCV001992961.5), dbSNP rs2040037101, ClinGen allele CA493745820.

ClinVar aggregate classification (germline): Likely benign. Review status: criteria provided, multiple submitters, no conflicts (2 of 4 stars). 2 submissions from 2 submitters: Likely benign (2). Last evaluated 2024-05-30.

Conditions:
Familial thoracic aortic aneurysm and aortic dissection (TAAD). Also called: Thoracic aortic aneurysms and dissections. Identifiers: Orphanet 91387, MedGen C4707243, MONDO:0019625.
Aortic aneurysm, familial thoracic 4 (AAT4). Also called: AORTIC ANEURYSM/AORTIC DISSECTION AND PATENT DUCTUS ARTERIOSUS. Identifiers: MedGen C1851504, MONDO:0007568, OMIM 132900.

Submissions (2):

All of Us Research Program, National Institutes of Health
Classification: Likely benign for Familial thoracic aortic aneurysm and aortic dissection. Last evaluated: 2024-05-30. Review status: criteria provided, single submitter. Criteria: ACMG Guidelines, 2015. Collection method: clinical testing. Allele origin: germline. Inheritance: Autosomal dominant inheritance. Observed: 1 variant allele, 1 heterozygote.
Comment: This study involves interpretation of variants in research participants for the purpose of population health screening. Participant phenotype was not available at the time of variant classification. Additional details can be found in publication PMID: 35346344, PMCID: PMC8962531

Labcorp Genetics (formerly Invitae), Labcorp
Classification: Likely benign for Aortic aneurysm, familial thoracic 4. Last evaluated: 2023-03-20. Review status: criteria provided, single submitter. Criteria: Invitae Variant Classification Sherloc (09022015). Collection method: clinical testing. Allele origin: germline.